The following is an entry in ClinVar:

NM_018196.4(TMLHE):c.794C>T (p.Thr265Ile)

Gene: TMLHE (trimethyllysine hydroxylase, epsilon; minus strand). Cytogenetic location: Xq28.
Variant type: single nucleotide variant.
Coding change: c.794C>T on transcript NM_018196.4 (MANE Select); coding-DNA position 794, C replaced by T.
Protein change: p.Thr265Ile; replaces threonine 265 with isoleucine.
Molecular consequence: missense variant.
Genome position (GRCh38, 1-based): chrX:155,507,099, G>A on the plus strand (C>T on the coding strand, the complement: TMLHE is on the minus strand). VCF-style: chrX-155507099-G-A. GRCh37 (hg19) VCF-style: chrX-154736760-G-A.
Other names: c.794C>T, p.Thr265Ile (NM_001184797.2); short protein forms T265I.
Identifiers: ClinVar variation 450888 (VCV000450888.5), dbSNP rs1557332788, ClinGen allele CA414939482.

ClinVar aggregate classification (germline): Uncertain significance. Review status: criteria provided, multiple submitters, no conflicts (2 of 4 stars). 2 submissions from 2 submitters: Uncertain significance (2). Last evaluated 2025-10-28.

Conditions:
Epsilon-trimethyllysine hydroxylase deficiency. Also called: Autism, susceptibility to, X-linked 6. Identifiers: MedGen C3550875, MONDO:0010469, OMIM 300872.

gnomAD v4.1: 2 of 1,208,644 alleles (0.00017%); highest among the groups gnomAD compares: East Asian, 0.003%; no homozygotes.

Submissions (2):

Ambry Genetics
Classification: Uncertain significance. Last evaluated: 2025-10-28. Review status: criteria provided, single submitter. Criteria: Ambry Variant Classification Scheme 2023. Collection method: clinical testing. Allele origin: germline.

GeneDx
Classification: Uncertain significance. Last evaluated: 2017-08-02. Review status: criteria provided, single submitter. Criteria: GeneDx Variant Classification (06012015). Collection method: clinical testing. Allele origin: germline. Affected: yes.
Comment: The T265I variant has not been published as a pathogenic variant, nor has it been reported as a benign variant to our knowledge. This variant is not observed in large population cohorts (Lek et al., 2016; 1000 Genomes Consortium et al., 2015; Exome Variant Server). The T265I variant is a non-conservative amino acid substitution that occurs at a position that is conserved across species, and in silico analysis predicts this variant is probably damaging to the protein structure/function. Therefore, based on the currently available information, it is unclear whether this variant is a pathogenic variant or a rare benign variant.